The following is an entry in ClinVar:

ClinVar aggregate classification (germline): Uncertain significance. Review status: criteria provided, multiple submitters, no conflicts (2 of 4 stars). 2 submissions from 2 submitters: Uncertain significance (2). Last evaluated 2023-09-28.

Conditions:
Hereditary cancer-predisposing syndrome. Also called: Tumor predisposition; Hereditary neoplastic syndrome; Neoplastic Syndromes, Hereditary; Hereditary Cancer Syndrome. Identifiers: Orphanet 140162, MedGen C0027672, MeSH D009386, MONDO:0015356.
Parathyroid carcinoma (PRTC). Also called: Parathyroid gland carcinoma; CDC73-Related Parathyroid Carcinoma. Identifiers: Orphanet 143, MedGen C0687150, MONDO:0012004, OMIM 608266, HP:0006780.

Allele frequency attached by ClinVar (database versions not stated): gnomAD exomes 0.00001.
gnomAD v4.1: 7 of 1,564,330 alleles (0.00045%); highest among the groups gnomAD compares: Non-Finnish European, 0.00062%; no homozygotes.

Submissions (2):

Ambry Genetics
Classification: Uncertain significance for Hereditary cancer-predisposing syndrome. Last evaluated: 2023-09-28. Review status: criteria provided, single submitter. Criteria: Ambry Variant Classification Scheme 2023. Collection method: clinical testing. Allele origin: germline.
Comment: The p.T80A variant (also known as c.238A>G) is located in coding exon 3 of the CDC73 gene. The threonine at codon 80 is replaced by alanine, an amino acid with similar properties. This change occurs in the first base pair of coding exon 3. This amino acid position is conserved. In addition, this alteration is predicted to be tolerated by in silico analysis. Since supporting evidence is limited at this time, the clinical significance of this alteration remains unclear.

Labcorp Genetics (formerly Invitae), Labcorp
Classification: Uncertain significance for Parathyroid carcinoma. Last evaluated: 2021-01-22. Review status: criteria provided, single submitter. Criteria: Invitae Variant Classification Sherloc (09022015). Collection method: clinical testing. Allele origin: germline.
Comment: In summary, the available evidence is currently insufficient to determine the role of this variant in disease. Therefore, it has been classified as a Variant of Uncertain Significance. Algorithms developed to predict the effect of missense changes on protein structure and function (SIFT, PolyPhen-2, Align-GVGD) all suggest that this variant is likely to be tolerated, but these predictions have not been confirmed by published functional studies and their clinical significance is uncertain. This variant has not been reported in the literature in individuals with CDC73-related conditions. This variant is not present in population databases (ExAC no frequency). This sequence change replaces threonine with alanine at codon 80 of the CDC73 protein (p.Thr80Ala). The threonine residue is moderately conserved and there is a small physicochemical difference between threonine and alanine.

NM_024529.5(CDC73):c.238A>G (p.Thr80Ala)

Gene: CDC73 (cell division cycle 73; plus strand). Cytogenetic location: 1q31.2.
Variant type: single nucleotide variant.
Coding change: c.238A>G on transcript NM_024529.5 (MANE Select); coding-DNA position 238, A replaced by G.
Protein change: p.Thr80Ala; replaces threonine 80 with alanine.
Molecular consequence: missense variant.
Genome position (GRCh38, 1-based): chr1:193,130,174, A>G. VCF-style: chr1-193130174-A-G. GRCh37 (hg19) VCF-style: chr1-193099304-A-G.
Other names: c.238A>G (NM_024529.4); short protein forms T80A.
Identifiers: ClinVar variation 1497485 (VCV001497485.9), dbSNP rs2103117767, ClinGen allele CA343973269.